The following is an entry in ClinVar:

NM_001943.5(DSG2):c.320A>G (p.Asp107Gly)

Gene: DSG2 (desmoglein 2; plus strand). Cytogenetic location: 18q12.1.
Variant type: single nucleotide variant.
Coding change: c.320A>G on transcript NM_001943.5 (MANE Select); coding-DNA position 320, A replaced by G.
Protein change: p.Asp107Gly; replaces aspartic acid 107 with glycine.
Molecular consequence: missense variant.
Genome position (GRCh38, 1-based): chr18:31,520,906, A>G. VCF-style: chr18-31520906-A-G. GRCh37 (hg19) VCF-style: chr18-29100869-A-G.
Other names: short protein forms D107G.
Identifiers: ClinVar variation 921107 (VCV000921107.4), dbSNP rs2073123931, ClinGen allele CA402131565.

ClinVar aggregate classification (germline): Uncertain significance (1 of 4 stars; one submission).

Conditions:
Cardiomyopathy (CMYO). Also called: Cardiomyopathies. Identifiers: Orphanet 167848, MedGen C0878544, MONDO:0004994, HP:0001638. Inheritance: Various modes of inheritance.

Allele frequency attached by ClinVar (database versions not stated): gnomAD exomes below 0.00001.
gnomAD v4.1: 3 of 1,613,952 alleles (0.00019%); highest among the groups gnomAD compares: Non-Finnish European, 0.00025%; no homozygotes.

Submission:

Color Diagnostics, LLC DBA Color Health
Classification: Uncertain significance for Cardiomyopathy. Last evaluated: 2024-03-06. Review status: criteria provided, single submitter. Criteria: ACMG Guidelines, 2015. Collection method: clinical testing. Allele origin: germline.
Comment: This missense variant replaces aspartic acid with glycine at codon 107 of the DSG2 protein. Computational prediction tool suggests that this variant may not impact protein structure and function (internally defined REVEL score threshold <=0.5, PMID: 27666373). Splice site prediction tools suggest that this variant may not impact RNA splicing. To our knowledge, functional studies have not been performed for this variant. This variant has not been reported in individuals affected with cardiovascular disorders in the literature. This variant has not been identified in the general population by the Genome Aggregation Database (gnomAD). The available evidence is insufficient to determine the role of this variant in disease conclusively. Therefore, this variant is classified as a Variant of Uncertain Significance.